The following is an entry in ClinVar:

ClinVar aggregate classification (germline): Uncertain significance. Review status: criteria provided, multiple submitters, no conflicts (2 of 4 stars). 3 submissions from 3 submitters: Uncertain significance (3). Last evaluated 2025-09-30.

Conditions:
Neuropathy, hereditary sensory and autonomic, type 2A (HSAN2A). Also called: WNK1-Related HSAN2 (HSAN2A); ACROOSTEOLYSIS, GIACCAI TYPE; ACROOSTEOLYSIS, NEUROGENIC; MORVAN DISEASE; NEUROPATHY, CONGENITAL SENSORY; NEUROPATHY, HEREDITARY SENSORY RADICULAR, AUTOSOMAL RECESSIVE. Identifiers: Orphanet 970, MedGen C2752089, MONDO:0024309, OMIM 201300.
Generalized epilepsy with febrile seizures plus, type 7 (GEFSP7). Also called: GEFS+, TYPE 7. Identifiers: Orphanet 36387, MedGen C2751778, MONDO:0013470, OMIM 613863.
SCN9A-related disorder. Also called: SCN9A-related disorders; SCN9A-related condition.

Submissions (3):

Labcorp Genetics (formerly Invitae), Labcorp
Classification: Uncertain significance for Neuropathy, hereditary sensory and autonomic, type 2A; Generalized epilepsy with febrile seizures plus, type 7. Last evaluated: 2025-09-30. Review status: criteria provided, single submitter. Criteria: Invitae Variant Classification Sherloc (09022015). Collection method: clinical testing. Allele origin: germline.
Comment: This sequence change replaces valine, which is neutral and non-polar, with alanine, which is neutral and non-polar, at codon 981 of the SCN9A protein (p.Val981Ala). This variant is not present in population databases (gnomAD no frequency). This variant has not been reported in the literature in individuals affected with SCN9A-related conditions. ClinVar contains an entry for this variant (Variation ID: 393158). Invitae Evidence Modeling of protein sequence and biophysical properties (such as structural, functional, and spatial information, amino acid conservation, physicochemical variation, residue mobility, and thermodynamic stability) indicates that this missense variant is not expected to disrupt SCN9A protein function with a negative predictive value of 95%. In summary, the available evidence is currently insufficient to determine the role of this variant in disease. Therefore, it has been classified as a Variant of Uncertain Significance.

Illumina Laboratory Services, Illumina
Classification: Uncertain significance for SCN9A-related disorders. Last evaluated: 2019-11-05. Review status: criteria provided, single submitter. Criteria: ICSLVariantClassificationCriteria RUGD 01 April 2020. Collection method: clinical testing. Allele origin: unknown.
Comment: The SCN9A c.2942T>C (p.Val981Ala) variant is a missense variant. A literature search was performed for the gene, cDNA change, and amino acid change. No publications were found based on this search. The p.Val981Ala variant is not found in Genome Aggregation Database, however this was noted to be a region with reduced sequence coverage. The p.Val981Ala variant occurs at a conserved residue in the cytoplasmic topological domain between the second and third homologous domain of the associated protein, Nav1.7. Based on the limited evidence, the p.Val981Ala variant is classified as a variant of unknown significance for SCN9A-related disorders.

GeneDx
Classification: Uncertain significance. Last evaluated: 2017-01-30. Review status: criteria provided, single submitter. Criteria: GeneDx Variant Classification (06012015). Collection method: clinical testing. Allele origin: germline. Affected: yes.
Comment: A variant of uncertain significance has been identified in the SCN9A gene. The V981A variant has not been published as a pathogenic variant, nor has it been reported as a benign variant to our knowledge. The V981A variant is not observed in large population cohorts (Lek et al., 2016; 1000 Genomes Consortium et al., 2015; Exome Variant Server). This substitution occurs at a conserved position predicted to be within the cytoplasmic loop between second and third homologous domains. In silico analysis predicts this variant is probably damaging to the protein structure/function. However, the V981A variant is a conservative amino acid substitution, which is not likely to impact secondary protein structure as these residues share similar properties. Therefore, based on the currently available information, it is unclear whether this variant is a pathogenic variant or a rare benign variant.

NM_001365536.1(SCN9A):c.2975T>C (p.Val992Ala)

Genes: SCN1A-AS1 (SCN1A and SCN9A antisense RNA 1; plus strand), SCN9A (sodium voltage-gated channel alpha subunit 9; minus strand). Cytogenetic location: 2q24.3.
Variant type: single nucleotide variant.
Coding change: c.2975T>C on transcript NM_001365536.1 (MANE Select); coding-DNA position 2975, T replaced by C.
Protein change: p.Val992Ala; replaces valine 992 with alanine.
Molecular consequence: missense variant.
Genome position (GRCh38, 1-based): chr2:166,272,775, A>G on the plus strand (T>C on the coding strand, the complement: SCN9A is on the minus strand). VCF-style: chr2-166272775-A-G. GRCh37 (hg19) VCF-style: chr2-167129285-A-G.
Other names: c.2942T>C, p.Val981Ala (NM_002977.4); short protein forms V981A, V992A.
Identifiers: ClinVar variation 393158 (VCV000393158.14), dbSNP rs1057524814, ClinGen allele CA16603954.
Genomic context (GRCh38, chr2:166,272,775, plus strand): 5'-TTTAGAATAAATTCACGTAAGGTTTGTTTCACATAATTTATTCCCTTTTTAATTCTAGTC[A>G]CTGCAATCTGGAGGTTGTTTGCATCAGGGTCTTCTTCAATTGCTGTAAGATTGTCTGAAC-3'
Protein context (NP_001352465.1, residues 982-1002): DPDANNLQIA[Val992Ala]TRIKKGINYV